The following is an entry in ClinVar:

ClinVar aggregate classification (germline): not provided (0 of 4 stars; one submission).

Conditions:
Pterin-4 alpha-carbinolamine dehydratase 1 deficiency. Also called: CADH DEFICIENCY; Hyperphenylalaninemia due to dehydratase deficiency; HYPERPHENYLALANINEMIA WITH PRIMAPTERINURIA; HYPERPHENYLALANINEMIA, TETRAHYDROBIOPTERIN-DEFICIENT, DUE TO PTERIN-4-ALPHA-CARBINOLAMINE DEHYDRATASE DEFICIENCY. Identifiers: Orphanet 1578, Orphanet 238583, MedGen C1849700, MONDO:0009908, OMIM 264070.

Submission:

Pediatric Diabetes Laboratory, Experimental and Clinical Research Center (ECRC)
No classification provided. Condition: Hyperphenylalaninemia, bh4-deficient, d. Review status: no classification provided. Collection method: not provided. Allele origin: germline.
Comment: The ss number is needed for publication. We ask it to be held from public release until the manuscript gets accepted. We also kindly request this submission to be processed in the faster than regular way.

NM_000281.4(PCBD1):c.210CAA[1] (p.Asn71del)

Gene: PCBD1 (pterin-4 alpha-carbinolamine dehydratase 1; minus strand). Cytogenetic location: 10q22.1.
Variant type: Microsatellite.
Coding change: c.210CAA[1] on transcript NM_000281.4 (MANE Select); one copy of the 3-base unit CAA starting at c.210; the reference has two copies in a row; one copy, 3 bases deleted.
Protein change: p.Asn71del; deletes asparagine 71.
Molecular consequence: inframe deletion.
Genome position (GRCh38, 1-based): chr10:70,885,153-70,885,155, TTG deleted on the plus strand (CAA on the coding strand, the reverse complement: PCBD1 is on the minus strand); deleting any 3 consecutive bases within chr10:70,885,153-70,885,159 gives the same sequence; the position shown is the placement nearest the transcript's 3' end. VCF-style (leftmost placement, unchanged base first): chr10-70885152-CTTG-C. GRCh37 (hg19) VCF-style: chr10-72644909-CTTG-C.
Other names: c.63CAA[1], p.Asn22del (NM_001289797.2); c.210CAA[1], p.Asn71del (NM_001323004.2); short protein forms N71del, N22del.
Identifiers: ClinVar variation 91906 (VCV000091906.1), dbSNP rs397518415, ClinGen allele CA278430.